The following is an entry in ClinVar:

ClinVar aggregate classification (germline): Likely benign. Review status: criteria provided, multiple submitters, no conflicts (2 of 4 stars). 3 submissions from 3 submitters: Likely benign (3). Last evaluated 2023-12-18.

Conditions:
Malignant hyperthermia, susceptibility to, 5 (MHS5). Also called: CACNA1S-Related Malignant Hyperthermia Susceptibility. Identifiers: Orphanet 423, MedGen C1866077, MONDO:0011163, OMIM 601887.
Hypokalemic periodic paralysis, type 1. Also called: HypoPP; Hypokalemic Periodic Paralysis Type 1 (AD). Identifiers: Orphanet 681, MedGen C3714580, MONDO:0042979, OMIM 170400.

Allele frequency attached by ClinVar (database versions not stated): gnomAD 0.00001.
gnomAD v4.1: 1 of 1,614,080 alleles (0.000062%); highest among the groups gnomAD compares: African/African-American, 0.0013%; no homozygotes.

Submissions (3):

All of Us Research Program, National Institutes of Health
Classification: Likely benign for Malignant hyperthermia, susceptibility to, 5. Last evaluated: 2023-12-18. Review status: criteria provided, single submitter. Criteria: ACMG Guidelines, 2015. Collection method: clinical testing. Allele origin: germline. Inheritance: Autosomal dominant inheritance. Observed: 1 variant allele, 1 heterozygote.
Comment: This study involves interpretation of variants in research participants for the purpose of population health screening. Participant phenotype was not available at the time of variant classification. Additional details can be found in publication PMID: 35346344, PMCID: PMC8962531

Color Diagnostics, LLC DBA Color Health
Classification: Likely benign for Malignant hyperthermia, susceptibility to, 5. Last evaluated: 2023-11-22. Review status: criteria provided, single submitter. Criteria: ACMG Guidelines, 2015. Collection method: clinical testing. Allele origin: germline.

Labcorp Genetics (formerly Invitae), Labcorp
Classification: Likely benign for Hypokalemic periodic paralysis, type 1; Malignant hyperthermia, susceptibility to, 5. Last evaluated: 2023-06-06. Review status: criteria provided, single submitter. Criteria: Invitae Variant Classification Sherloc (09022015). Collection method: clinical testing. Allele origin: germline.

NM_000069.3(CACNA1S):c.4596C>T (p.His1532=)

Gene: CACNA1S (calcium voltage-gated channel subunit alpha1 S; minus strand). Cytogenetic location: 1q32.1.
Variant type: single nucleotide variant.
Coding change: c.4596C>T on transcript NM_000069.3 (MANE Select); coding-DNA position 4596, C replaced by T.
Protein change: p.His1532=; no amino-acid change (histidine 1532 retained).
Molecular consequence: synonymous variant.
Genome position (GRCh38, 1-based): chr1:201,047,187, G>A on the plus strand (C>T on the coding strand, the complement: CACNA1S is on the minus strand). VCF-style: chr1-201047187-G-A. GRCh37 (hg19) VCF-style: chr1-201016315-G-A.
Identifiers: ClinVar variation 2940496 (VCV002940496.5), dbSNP rs1490370269, ClinGen allele CA422717568.
Genomic context (GRCh38, chr1:201,047,187, plus strand): 5'-AATGTCCTTCTTGGGCCGATAGCCATAATACTCCTCTTGGCGTTTCATGAACTTCCGGAA[G>A]TGCTCCTGGATGAGGAATGTGGCGTAGAACTTCCCCACTGTCACCTCATCATCTGCAGAG-3'
Protein context (NP_000060.2, residues 1522-1542): KFYATFLIQE[His1532=]FRKFMKRQEE